The following is an entry in ClinVar:

ClinVar aggregate classification (germline): Likely pathogenic. Review status: reviewed by expert panel (3 of 4 stars). 3 submissions from 3 submitters: Likely pathogenic (1). 2 of the submissions do not count toward it. Last evaluated 2025-12-16.

Conditions:
Malignant hyperthermia of anesthesia. Also called: Anesthesic-triggered malignant hyperthermia. Identifiers: Orphanet 423, MedGen C0024591, MONDO:0018493, HP:0034733.

Submissions (3):

ClinGen Malignant Hyperthermia Susceptibility Variant Curation Expert Panel, ClinGen
Classification: Likely pathogenic for Malignant hyperthermia of anesthesia. Last evaluated: 2025-12-16. Review status: reviewed by expert panel. Criteria: ClinGen MHS ACMG Specifications V2. Collection method: curation. Allele origin: germline. Inheritance: Autosomal dominant inheritance.
Comment: This pathogenicity assessment is relevant only for malignant hyperthermia susceptibility (MHS) inherited in an autosomal dominant pattern. Variants in RYR1 can also cause other myopathies inherited in an autosomal dominant pattern or in an autosomal recessive pattern. Some of these disorders may predispose individuals to malignant hyperthermia. RYR1 variants may also contribute to a malignant hyperthermia reaction in combination with other genetic and non-genetic factors and the clinician needs to consider such factors in making management decisions. This sequence variant predicts a substitution of aspartic acid with glycine at codon 2730 of the RYR1 protein, p.(Asp2730Gly). This variant was not present in a large population database (gnomAD) at the time this variant was interpreted. This variant has been reported in individuals with a personal or family history of an MH episode and a positive in vitro contracture test (IVCT) or caffeine halothane contracture test (CHCT) result (if the proband was unavailable for testing, a positive diagnostic test result in a mutation-positive relative was counted), PS4_Moderate (PMID:19191329; PMID:31559918). Two ex vivo functional studies, using cells from the same individual, showed an increased sensitivity to RYR1 agonists, however, this does not meet the criteria for PS3 which requires samples from multiple unrelated individuals to be tested (PMID:21088110, PMID:19191329). This variant does not reside in a hotspot for pathogenic variants that contribute to MHS. This variant segregates with MHS in 17 individuals, PP1_Strong (PMID:19191329). A REVEL score of 0.722 supports neither a pathogenic nor a benign status for this variant. This variant has been classified as a Likely Pathogenic. Criteria implemented: PS4_Moderate, PP1_Strong.

PreventionGenetics, part of Exact Sciences
Classification: Uncertain significance. Last evaluated: 2018-01-09. Review status: criteria provided, single submitter. Criteria: ACMG Guidelines, 2015. Collection method: clinical testing. Allele origin: germline. Not counted in ClinVar's aggregate classification.

RYR1 database
No classification provided. Review status: no classification provided. Collection method: not provided. Allele origin: unknown. Not counted in ClinVar's aggregate classification.

NM_000540.3(RYR1):c.8189A>G (p.Asp2730Gly)

Gene: RYR1 (ryanodine receptor 1; plus strand). Cytogenetic location: 19q13.2.
Variant type: single nucleotide variant.
Coding change: c.8189A>G on transcript NM_000540.3 (MANE Select); coding-DNA position 8189, A replaced by G.
Protein change: p.Asp2730Gly; replaces aspartic acid 2730 with glycine.
Molecular consequence: missense variant.
Genome position (GRCh38, 1-based): chr19:38,504,869, A>G. VCF-style: chr19-38504869-A-G. GRCh37 (hg19) VCF-style: chr19-38995509-A-G.
Other names: NM_000540.2(RYR1):c.8189A>G; c.8189A>G, p.Asp2730Gly (NM_001042723.2); short protein forms D2730G.
Identifiers: ClinVar variation 133219 (VCV000133219.6), dbSNP rs112196644, ClinGen allele CA024896.